The following is an entry in ClinVar:

ClinVar aggregate classification (germline): Uncertain significance (1 of 4 stars; one submission).

Conditions:
Inflammatory skin and bowel disease, neonatal, 1. Identifiers: Orphanet 294023, MedGen C3280501, MONDO:0013693, OMIM 614328.

Allele frequency attached by ClinVar (database versions not stated): gnomAD exomes below 0.00001.
gnomAD v4.1: 1 of 1,613,500 alleles (0.000062%); highest among the groups gnomAD compares: Non-Finnish European, 0.000085%; no homozygotes.

Submission:

Labcorp Genetics (formerly Invitae), Labcorp
Classification: Uncertain significance for Inflammatory skin and bowel disease, neonatal, 1. Last evaluated: 2022-09-26. Review status: criteria provided, single submitter. Criteria: Invitae Variant Classification Sherloc (09022015). Collection method: clinical testing. Allele origin: germline.
Comment: This sequence change falls in intron 15 of the ADAM17 gene. It does not directly change the encoded amino acid sequence of the ADAM17 protein. It affects a nucleotide within the consensus splice site. This variant has not been reported in the literature in individuals affected with ADAM17-related conditions. This variant is not present in population databases (gnomAD no frequency). Variants that disrupt the consensus splice site are a relatively common cause of aberrant splicing (PMID: 17576681, 9536098). Algorithms developed to predict the effect of sequence changes on RNA splicing suggest that this variant may disrupt the consensus splice site. ClinVar contains an entry for this variant (Variation ID: 1468598). In summary, the available evidence is currently insufficient to determine the role of this variant in disease. Therefore, it has been classified as a Variant of Uncertain Significance.

Literature cited by the submitters: PubMed 17576681; PubMed 9536098.

NM_003183.6(ADAM17):c.1914+5G>A

Genes: ADAM17 (ADAM metallopeptidase domain 17; minus strand), IAH1 (isoamyl acetate hydrolyzing esterase 1 (putative); plus strand). Cytogenetic location: 2p25.1.
Variant type: single nucleotide variant.
Coding change: c.1914+5G>A on transcript NM_003183.6 (MANE Select); 5 bases into the intron after coding-DNA position 1914, G replaced by A.
Molecular consequence: intron variant.
Genome position (GRCh38, 1-based): chr2:9,494,632, C>T on the plus strand (G>A on the coding strand, the complement: ADAM17 is on the minus strand). VCF-style: chr2-9494632-C-T. GRCh37 (hg19) VCF-style: chr2-9634761-C-T.
Other names: c.1254+5G>A (NM_001382777.1); c.1017+5G>A (NM_001382778.1).
Identifiers: ClinVar variation 1468598 (VCV001468598.6), dbSNP rs2124966714, ClinGen allele CA2573135860.